The following is an entry in ClinVar:

ClinVar aggregate classification (germline): Benign/Likely benign. Review status: criteria provided, multiple submitters, no conflicts (2 of 4 stars). 4 submissions from 4 submitters: Benign (1); Likely benign (2). 1 of the submissions does not count toward it. Last evaluated 2026-01-24.

Conditions:
PIGB-related disorder. Also called: PIGB-related condition.
Inborn genetic diseases. Identifiers: MedGen C0950123, MeSH D030342.

Allele frequency attached by ClinVar (database versions not stated): ExAC 0.00054; ESP Exome Variant Server 0.00186; gnomAD 0.00218; TOPMed 0.00220; 1000 Genomes Project 0.00240; 1000 Genomes Project 30x 0.00265.
gnomAD v4.1: 671 of 1,613,220 alleles (0.042%); highest among the groups gnomAD compares: African/African-American, 0.77%; 3 homozygotes.

Submissions (4):

Labcorp Genetics (formerly Invitae), Labcorp
Classification: Benign. Last evaluated: 2026-01-24. Review status: criteria provided, single submitter. Criteria: Invitae Variant Classification Sherloc (09022015). Collection method: clinical testing. Allele origin: germline.

Ambry Genetics
Classification: Likely benign for Inborn genetic diseases. Last evaluated: 2025-02-07. Review status: criteria provided, single submitter. Criteria: Ambry Variant Classification Scheme 2023. Collection method: clinical testing. Allele origin: germline.

Blueprint Genetics
Classification: Likely benign. Last evaluated: 2024-10-09. Review status: criteria provided, single submitter. Criteria: ACMG Guidelines, 2015. Collection method: clinical testing. Allele origin: germline.

PreventionGenetics, part of Exact Sciences
Classification: Benign for PIGB-related condition. Last evaluated: 2019-11-25. Review status: no assertion criteria provided. Collection method: clinical testing. Allele origin: germline. Not counted in ClinVar's aggregate classification.
Comment: This variant is classified as benign based on ACMG/AMP sequence variant interpretation guidelines (Richards et al. 2015 PMID: 25741868, with internal and published modifications).

NM_004855.5(PIGB):c.202A>T (p.Ile68Leu)

Gene: PIGB (phosphatidylinositol glycan anchor biosynthesis class B; plus strand). Cytogenetic location: 15q21.3.
Variant type: single nucleotide variant.
Coding change: c.202A>T on transcript NM_004855.5 (MANE Select); coding-DNA position 202, A replaced by T.
Protein change: p.Ile68Leu; replaces isoleucine 68 with leucine.
Molecular consequence: missense variant.
Genome position (GRCh38, 1-based): chr15:55,320,313, A>T. VCF-style: chr15-55320313-A-T. GRCh37 (hg19) VCF-style: chr15-55612511-A-T.
Other names: c.202A>T (NM_004855.4); short protein forms I68L.
Identifiers: ClinVar variation 2060934 (VCV002060934.8), dbSNP rs17851556, ClinGen allele CA7573785.